The following is an entry in ClinVar:

NM_015335.5(MED13L):c.970C>G (p.Pro324Ala)

Gene: MED13L (mediator complex subunit 13L; minus strand). Cytogenetic location: 12q24.21.
Variant type: single nucleotide variant.
Coding change: c.970C>G on transcript NM_015335.5 (MANE Select); coding-DNA position 970, C replaced by G.
Protein change: p.Pro324Ala; replaces proline 324 with alanine.
Molecular consequence: missense variant.
Genome position (GRCh38, 1-based): chr12:116,019,263, G>C on the plus strand (C>G on the coding strand, the complement: MED13L is on the minus strand). VCF-style: chr12-116019263-G-C. GRCh37 (hg19) VCF-style: chr12-116457068-G-C.
Other names: short protein forms P324A.
Identifiers: ClinVar variation 4702316 (VCV004702316.1).

ClinVar aggregate classification (germline): Uncertain significance (1 of 4 stars; one submission).

Conditions:
Dextro-looped transposition of the great arteries. Also called: Dextrotransposition of the great arteries. Identifiers: Orphanet 860, MedGen C3531771, MONDO:0019443, OMIM 608808, HP:0031348.

gnomAD v4.1: 4 of 1,613,934 alleles (0.00025%); highest among the groups gnomAD compares: Non-Finnish European, 0.00034%; no homozygotes.

Submission:

Labcorp Genetics (formerly Invitae), Labcorp
Classification: Uncertain significance for Dextro-looped transposition of the great arteries. Last evaluated: 2025-08-29. Review status: criteria provided, single submitter. Criteria: Invitae Variant Classification Sherloc (09022015). Collection method: clinical testing. Allele origin: germline.
Comment: This sequence change replaces proline, which is neutral and non-polar, with alanine, which is neutral and non-polar, at codon 324 of the MED13L protein (p.Pro324Ala). This variant is present in population databases (no rsID available, gnomAD 0.0009%). This variant has not been reported in the literature in individuals affected with MED13L-related conditions. Invitae Evidence Modeling of protein sequence and biophysical properties (such as structural, functional, and spatial information, amino acid conservation, physicochemical variation, residue mobility, and thermodynamic stability) indicates that this missense variant is not expected to disrupt MED13L protein function with a negative predictive value of 80%. In summary, the available evidence is currently insufficient to determine the role of this variant in disease. Therefore, it has been classified as a Variant of Uncertain Significance.